The following is an entry in ClinVar:

NM_000179.3(MSH6):c.3955_3980del (p.Lys1319fs)

Gene: MSH6 (mutS homolog 6; plus strand). Cytogenetic location: 2p16.3.
Variant type: Deletion.
Coding change: c.3955_3980del on transcript NM_000179.3 (MANE Select); coding-DNA positions 3955 to 3980, 26 bases deleted (AAAGCAAGAGAATTTGAGAAGATGAA).
Protein change: p.Lys1319fs; shifts the reading frame from lysine 1319.
Molecular consequence: frameshift variant.
Genome position (GRCh38, 1-based): chr2:47,806,605-47,806,630, AAAGCAAGAGAATTTGAGAAGATGAA deleted; deleting any 26 consecutive bases within chr2:47,806,604-47,806,630 gives the same sequence; the c. name uses the placement nearest the transcript's 3' end. VCF-style (leftmost placement, unchanged base first): chr2-47806603-GAAAAGCAAGAGAATTTGAGAAGATGA-G. GRCh37 (hg19) VCF-style: chr2-48033742-GAAAAGCAAGAGAATTTGAGAAGATGA-G.
Other names: c.3565_3590del, p.Lys1189fs (NM_001281492.2); c.3049_3074del, p.Lys1017fs (NM_001281493.2, NM_001281494.2); c.3955_3980del26 (NM_000179.2); short protein forms K1017fs, K1319fs, K1189fs.
Identifiers: ClinVar variation 232993 (VCV000232993.5), dbSNP rs876660118, ClinGen allele CA10578169.
Genomic context (GRCh38, chr2:47,806,603, plus strand): 5'-ATGGCTTTAATGCAGCAAGGCTTGCTAATCTCCCAGAGGAAGTTATTCAAAAGGGACATA[GAAAAGCAAGAGAATTTGAGAAGATGA>G]ATCAGTCACTACGATTATTTCGGTAACTAACTAACTATAATGGAATTATAACTAACTGAC-3'

ClinVar aggregate classification (germline): Pathogenic (1 of 4 stars; one submission).

Conditions:
Hereditary cancer-predisposing syndrome. Also called: Neoplastic Syndromes, Hereditary; Tumor predisposition; Hereditary Cancer Syndrome; Hereditary neoplastic syndrome. Identifiers: Orphanet 140162, MedGen C0027672, MeSH D009386, MONDO:0015356.

Submission:

Ambry Genetics
Classification: Pathogenic for Hereditary cancer-predisposing syndrome. Last evaluated: 2015-08-07. Review status: criteria provided, single submitter. Criteria: Ambry Variant Classification Scheme 2023. Collection method: clinical testing. Allele origin: germline.
Comment: The c.3955_3980del26 pathogenic mutation (also known as p.K1319Sfs*13), located in coding exon 9 of the MSH6 gene, results from a deletion of 26 nucleotides between positions 3955 and 3980, causing a translational frameshift with a predicted alternate stop codon. While this specific mutation has not been reported in the literature to date, other frameshift mutations occurring further downstream have been identified in HNPCC families and are classified as pathogenic (Thompson B et al. Nat Genet. 2014 Feb;46(2):107-15; available at). Based on internal structural analysis, this variant sits at the dimerization interface and is anticipated to result in a significant decrease in structural stability (Warren JJ et al. Mol Cell. 2007 May 25;26(4):579-92). In addition to the data presented in the literature, since frameshifts are typically deleterious in nature, this alteration is interpreted as a disease-causing mutation (ACMG Recommendations for Standards for Interpretation and Reporting of Sequence Variations. Revision 2007. Genet Med. 2008;10:294).